The following is an entry in ClinVar:

NM_001478.5(B4GALNT1):c.531+5G>A

Gene: B4GALNT1 (beta-1,4-N-acetyl-galactosaminyltransferase 1; minus strand). Cytogenetic location: 12q13.3.
Variant type: single nucleotide variant.
Coding change: c.531+5G>A on transcript NM_001478.5 (MANE Select); 5 bases into the intron after coding-DNA position 531, G replaced by A.
Molecular consequence: intron variant.
Genome position (GRCh38, 1-based): chr12:57,630,473, C>T on the plus strand (G>A on the coding strand, the complement: B4GALNT1 is on the minus strand). VCF-style: chr12-57630473-C-T. GRCh37 (hg19) VCF-style: chr12-58024256-C-T.
Other names: c.366+5G>A (NM_001276468.2); c.531+5G>A (NM_001276469.2).
Identifiers: ClinVar variation 2046189 (VCV002046189.4), dbSNP rs2540670085, ClinGen allele CA2580086573.

ClinVar aggregate classification (germline): Uncertain significance (1 of 4 stars; one submission).

Conditions:
Spastic paraplegia. Identifiers: MedGen C0037772, HP:0001258.

Submission:

Labcorp Genetics (formerly Invitae), Labcorp
Classification: Uncertain significance for Spastic paraplegia. Last evaluated: 2021-12-21. Review status: criteria provided, single submitter. Criteria: Invitae Variant Classification Sherloc (09022015). Collection method: clinical testing. Allele origin: germline.
Comment: In summary, the available evidence is currently insufficient to determine the role of this variant in disease. Therefore, it has been classified as a Variant of Uncertain Significance. Variants that disrupt the consensus splice site are a relatively common cause of aberrant splicing (PMID: 17576681, 9536098). Algorithms developed to predict the effect of sequence changes on RNA splicing suggest that this variant may disrupt the consensus splice site. This variant has not been reported in the literature in individuals affected with B4GALNT1-related conditions. This variant is not present in population databases (gnomAD no frequency). This sequence change falls in intron 5 of the B4GALNT1 gene. It does not directly change the encoded amino acid sequence of the B4GALNT1 protein. It affects a nucleotide within the consensus splice site.

Literature cited by the submitters: PubMed 17576681; PubMed 9536098.